The following is an entry in ClinVar:

NM_001376.5(DYNC1H1):c.2721T>G (p.Ile907Met)

Gene: DYNC1H1 (dynein cytoplasmic 1 heavy chain 1; plus strand). Cytogenetic location: 14q32.31.
Variant type: single nucleotide variant.
Coding change: c.2721T>G on transcript NM_001376.5 (MANE Select); coding-DNA position 2721, T replaced by G.
Protein change: p.Ile907Met; replaces isoleucine 907 with methionine.
Molecular consequence: missense variant.
Genome position (GRCh38, 1-based): chr14:101,988,705, T>G. VCF-style: chr14-101988705-T-G. GRCh37 (hg19) VCF-style: chr14-102455042-T-G.
Other names: short protein forms I907M.
Identifiers: ClinVar variation 873529 (VCV000873529.9), dbSNP rs114021657, ClinGen allele CA391028185.
Genomic context (GRCh38, chr14:101,988,705, plus strand): 5'-TGCTTTGTGAGCTAACTTTTAGAAGAAACACTGTTCTCTGATATAACGTTGTCTGTAGAT[T>G]GAAAGAATATTGGGCGTCCGTCTGCAAGCTGGCCTGAGAGCTTGGACGCAGGTTCTTCTT-3'
Protein context (NP_001367.2, residues 897-917): PIWVNKLDME[Ile907Met]ERILGVRLQA

ClinVar aggregate classification (germline): Uncertain significance. Review status: criteria provided, multiple submitters, no conflicts (2 of 4 stars). 3 submissions from 3 submitters: Uncertain significance (3). Last evaluated 2023-10-05.

Conditions:
DYNC1H1-related neuronopathy.
Charcot-Marie-Tooth disease axonal type 2O. Also called: Charcot-Marie-Tooth disease, axonal, type 20; CHARCOT-MARIE-TOOTH DISEASE, AXONAL, AUTOSOMAL DOMINANT, TYPE 2O; CHARCOT-MARIE-TOOTH NEUROPATHY, AXONAL, TYPE 2O; Charcot-Marie-Tooth Neuropathy Type 2O. Identifiers: Orphanet 284232, MedGen C3280220, MONDO:0013644, OMIM 614228.

gnomAD v4.1: 1 of 1,614,048 alleles (0.000062%); highest among the groups gnomAD compares: African/African-American, 0.0013%; no homozygotes.

Submissions (3):

GeneDx
Classification: Uncertain significance. Last evaluated: 2023-10-05. Review status: criteria provided, single submitter. Criteria: GeneDx Variant Classification Process June 2021. Collection method: clinical testing. Allele origin: germline. Affected: yes.
Comment: In silico analysis supports that this missense variant does not alter protein structure/function; Has not been previously published as pathogenic or benign to our knowledge; This variant is associated with the following publications: (PMID: 25609763, 25512093, 26100331)

Labcorp Genetics (formerly Invitae), Labcorp
Classification: Uncertain significance for Charcot-Marie-Tooth disease axonal type 2O. Last evaluated: 2022-06-10. Review status: criteria provided, single submitter. Criteria: Invitae Variant Classification Sherloc (09022015). Collection method: clinical testing. Allele origin: germline.
Comment: In summary, the available evidence is currently insufficient to determine the role of this variant in disease. Therefore, it has been classified as a Variant of Uncertain Significance. Algorithms developed to predict the effect of missense changes on protein structure and function are either unavailable or do not agree on the potential impact of this missense change (SIFT: "Deleterious"; PolyPhen-2: "Possibly Damaging"; Align-GVGD: "Class C0"). ClinVar contains an entry for this variant (Variation ID: 873529). This variant has not been reported in the literature in individuals affected with DYNC1H1-related conditions. The frequency data for this variant in the population databases is considered unreliable, as metrics indicate poor data quality at this position in the gnomAD database. This sequence change replaces isoleucine, which is neutral and non-polar, with methionine, which is neutral and non-polar, at codon 907 of the DYNC1H1 protein (p.Ile907Met).

Illumina Laboratory Services, Illumina
Classification: Uncertain significance for DYNC1H1-related neuronopathy. Last evaluated: 2020-02-20. Review status: criteria provided, single submitter. Criteria: ICSLVariantClassificationCriteria RUGD 01 April 2020. Collection method: clinical testing. Allele origin: unknown.
Comment: The DYNC1H1 c.2721T>G (p.Ile907Met) variant is a missense variant. A literature search was performed for the gene, cDNA change, and amino acid change. No publications were found based on this search. The variant is reported at a frequency of 0.000115 in the African population from the Genome Aggregation Database though this is based on one allele in a region of good sequencing coverage, so the variant is presumed to be rare. Based on the limited evidence, the p.Ile907Met variant is classified as a variant of unknown significance for DYNC1H1-related neuronopathy.

Literature cited by the submitters: PubMed 25609763 (cited by Illumina Laboratory Services, Illumina); PubMed 20301532 (cited by Illumina Laboratory Services, Illumina).